The following is an entry in ClinVar:

ClinVar aggregate classification (germline): Uncertain significance. Review status: criteria provided, multiple submitters, no conflicts (2 of 4 stars). 2 submissions from 2 submitters: Uncertain significance (2). Last evaluated 2024-05-19.

Conditions:
Spermatogenic failure 18. Identifiers: MedGen C4539783, MONDO:0054615, OMIM 617576.
Ciliary dyskinesia, primary, 37 (CILD37). Also called: CILIARY DYSKINESIA, PRIMARY, 37, WITH OR WITHOUT SITUS INVERSUS. Identifiers: MedGen C4539798, MONDO:0033204, OMIM 617577.
Primary ciliary dyskinesia. Also called: Ciliary dyskinesia. Identifiers: Orphanet 244, MedGen C0008780, MONDO:0016575, HP:0012265.

Allele frequency attached by ClinVar (database versions not stated): gnomAD 0.00001 and 0.00003; gnomAD exomes 0.00002 and 0.00003; ExAC 0.00003; TOPMed 0.00003.
gnomAD v4.1: 37 of 1,594,710 alleles (0.0023%); highest among the groups gnomAD compares: East Asian, 0.018%; no homozygotes.

Submissions (2):

Labcorp Genetics (formerly Invitae), Labcorp
Classification: Uncertain significance for Ciliary dyskinesia, primary, 37; Spermatogenic failure 18. Last evaluated: 2024-05-19. Review status: criteria provided, single submitter. Criteria: Invitae Variant Classification Sherloc (09022015). Collection method: clinical testing. Allele origin: germline.
Comment: This sequence change replaces glycine, which is neutral and non-polar, with arginine, which is basic and polar, at codon 137 of the DNAH1 protein (p.Gly137Arg). The frequency data for this variant in the population databases is considered unreliable, as metrics indicate poor data quality at this position in the gnomAD database. This variant has not been reported in the literature in individuals affected with DNAH1-related conditions. ClinVar contains an entry for this variant (Variation ID: 977557). Algorithms developed to predict the effect of missense changes on protein structure and function output the following: SIFT: "Not Available"; PolyPhen-2: "Benign"; Align-GVGD: "Not Available". The arginine amino acid residue is found in multiple mammalian species, which suggests that this missense change does not adversely affect protein function. In summary, the available evidence is currently insufficient to determine the role of this variant in disease. Therefore, it has been classified as a Variant of Uncertain Significance.

UNC Molecular Genetics  Laboratory, University of North Carolina at Chapel Hill
Classification: Uncertain significance for Primary ciliary dyskinesia. Last evaluated: 2017-12-15. Review status: criteria provided, single submitter. Criteria: ACMG Guidelines, 2015. Collection method: clinical testing. Allele origin: germline. Observed: 1 heterozygote.

NM_015512.5(DNAH1):c.409G>A (p.Gly137Arg)

Gene: DNAH1 (dynein axonemal heavy chain 1; plus strand). Cytogenetic location: 3p21.1.
Variant type: single nucleotide variant.
Coding change: c.409G>A on transcript NM_015512.5 (MANE Select); coding-DNA position 409, G replaced by A.
Protein change: p.Gly137Arg; replaces glycine 137 with arginine.
Molecular consequence: missense variant.
Genome position (GRCh38, 1-based): chr3:52,326,142, G>A. VCF-style: chr3-52326142-G-A. GRCh37 (hg19) VCF-style: chr3-52360158-G-A.
Other names: short protein forms G137R.
Identifiers: ClinVar variation 977557 (VCV000977557.4), dbSNP rs770952001, ClinGen allele CA2432639.